The following is an entry in ClinVar:

ClinVar aggregate classification (germline): Pathogenic/Likely pathogenic. Review status: criteria provided, multiple submitters, no conflicts (2 of 4 stars). 3 submissions from 3 submitters: Pathogenic (1); Likely pathogenic (1). 1 of the submissions does not count toward it. Last evaluated 2023-12-14.

Conditions:
Inborn genetic diseases. Identifiers: MedGen C0950123, MeSH D030342.
Early-infantile DEE. Also called: Early infantile epileptic encephalopathy; Early infantile epileptic encephalopathy with suppression bursts; Ohtahara syndrome. Identifiers: Orphanet 1934, MedGen C0393706, MONDO:0800491.
Severe myoclonic epilepsy in infancy (DRVT). Also called: SEVERE MYOCLONIC EPILEPSY OF INFANCY; DEVELOPMENTAL AND EPILEPTIC ENCEPHALOPATHY 6A; Severe Myoclonic Epilepsy in Infancy (SMEI); Dravet syndrome; Epileptic encephalopathy, early infantile, 6 (Dravet syndrome). Identifiers: Orphanet 33069, MedGen C0751122, MONDO:0100135, OMIM 607208.

Submissions (3):

Labcorp Genetics (formerly Invitae), Labcorp
Classification: Pathogenic for Early-infantile DEE. Last evaluated: 2023-12-14. Review status: criteria provided, single submitter. Criteria: Invitae Variant Classification Sherloc (09022015). Collection method: clinical testing. Allele origin: germline.
Comment: This sequence change replaces glycine, which is neutral and non-polar, with aspartic acid, which is acidic and polar, at codon 343 of the SCN1A protein (p.Gly343Asp). This variant also falls at the last nucleotide of exon 7, which is part of the consensus splice site for this exon. This variant is not present in population databases (gnomAD no frequency). This missense change has been observed in individual(s) with SCN1A-related conditions (PMID: 12566275, 35074891). ClinVar contains an entry for this variant (Variation ID: 68585). An algorithm developed to predict the effect of missense changes on protein structure and function (PolyPhen-2) suggests that this variant is likely to be disruptive. Variants that disrupt the consensus splice site are a relatively common cause of aberrant splicing (PMID: 17576681, 9536098). This variant disrupts the p.Gly343 amino acid residue in SCN1A. Other variant(s) that disrupt this residue have been determined to be pathogenic (PMID: 28012175). This suggests that this residue is clinically significant, and that variants that disrupt this residue are likely to be disease-causing. For these reasons, this variant has been classified as Pathogenic.

Ambry Genetics
Classification: Likely pathogenic for Inborn genetic diseases. Last evaluated: 2017-12-26. Review status: criteria provided, single submitter. Criteria: Ambry Variant Classification Scheme 2023. Collection method: clinical testing. Allele origin: germline.
Comment: The c.1028G>A variant (also known as p.G343D), located in coding exon 7 of the SCN1A gene, results from a G to A substitution at nucleotide position 1028. The amino acid change results in glycine to aspartic acid at codon 343, an amino acid with similar properties. However, this change occurs in the last base pair of coding exon 7, which makes it likely to have some effect on normal mRNA splicing. This alteration has been detected in an individual with a typical Dravet syndrome phenotype, including weekly generalized tonic clonic (GTCS) and complex partial (CPS) seizures, severe intellectual disability, and ataxic gait (Takayama R et al. Epilepsia, 2014 Apr;55:528-38). This amino acid position is highly conserved in available vertebrate species. In addition, this alteration is predicted to be deleterious by in silico analysis. Based on the majority of available evidence to date, this variant is likely to be pathogenic.

UniProtKB/Swiss-Prot
No classification provided. Condition: Severe myoclonic epilepsy in infancy. Review status: no classification provided. Collection method: not provided. Allele origin: germline. Not counted in ClinVar's aggregate classification.
Comment: Atypical severe myoclonic epilepsy in infancy

Literature cited by the submitters: PubMed 12566275 (cited by Labcorp Genetics (formerly Invitae), Labcorp and Ambry Genetics); PubMed 35074891 (cited by Labcorp Genetics (formerly Invitae), Labcorp); PubMed 17576681 (cited by Labcorp Genetics (formerly Invitae), Labcorp); PubMed 9536098 (cited by Labcorp Genetics (formerly Invitae), Labcorp); PubMed 28012175 (cited by Labcorp Genetics (formerly Invitae), Labcorp); PubMed 18930999 (cited by Ambry Genetics); PubMed 19585586 (cited by Ambry Genetics); PubMed 24502503 (cited by Ambry Genetics); PubMed 28150151 (cited by Ambry Genetics).

NM_001165963.4(SCN1A):c.1028G>A (p.Gly343Asp)

Gene: SCN1A (sodium voltage-gated channel alpha subunit 1; minus strand). Cytogenetic location: 2q24.3.
Variant type: single nucleotide variant.
Coding change: c.1028G>A on transcript NM_001165963.4 (MANE Select); coding-DNA position 1028, G replaced by A.
Protein change: p.Gly343Asp; replaces glycine 343 with aspartic acid.
Molecular consequence: missense variant. On other transcripts: 5 prime UTR variant (1), non-coding transcript variant (1).
Genome position (GRCh38, 1-based): chr2:166,048,886, C>T on the plus strand (G>A on the coding strand, the complement: SCN1A is on the minus strand). VCF-style: chr2-166048886-C-T. GRCh37 (hg19) VCF-style: chr2-166905396-C-T.
Other names: c.1028G>A, p.Gly343Asp (NM_001165964.3, NM_001202435.3, NM_001353948.2 and 10 more transcripts); c.-1398G>A (NM_001353961.2); short protein forms G343D.
Identifiers: ClinVar variation 68585 (VCV000068585.11), dbSNP rs121918753, ClinGen allele CA285060.